The following is an entry in ClinVar:

ClinVar aggregate classification (germline): Uncertain significance (1 of 4 stars; one submission).

Submission:

Labcorp Genetics (formerly Invitae), Labcorp
Classification: Uncertain significance. Last evaluated: 2021-03-24. Review status: criteria provided, single submitter. Criteria: Invitae Variant Classification Sherloc (09022015). Collection method: clinical testing. Allele origin: germline.
Comment: In summary, the available evidence is currently insufficient to determine the role of this variant in disease. Therefore, it has been classified as a Variant of Uncertain Significance. Experimental studies and prediction algorithms are not available or were not evaluated, and the functional significance of this variant is currently unknown. This variant has not been reported in the literature in individuals with SLC39A7-related conditions. The frequency data for this variant in the population databases is considered unreliable, as metrics indicate poor data quality at this position in the ExAC database. This variant, c.174_191del, results in the deletion of 6 amino acid(s) of the SLC39A7 protein (p.Ser59_His64del), but otherwise preserves the integrity of the reading frame.

NM_006979.3(SLC39A7):c.174_191del (p.Ser59_His64del)

Gene: SLC39A7 (solute carrier family 39 member 7; plus strand). Cytogenetic location: 6p21.32.
Variant type: Deletion.
Coding change: c.174_191del on transcript NM_006979.3 (MANE Select); coding-DNA positions 174 to 191, 18 bases deleted (CAGCCATGCCCATGGCCA).
Protein change: p.Ser59_His64del.
Molecular consequence: inframe deletion. On other transcripts: intron variant (1).
Genome position (GRCh38, 1-based): chr6:33,201,419-33,201,436, CAGCCATGCCCATGGCCA deleted; deleting any 18 consecutive bases within chr6:33,201,410-33,201,436 gives the same sequence; the c. name uses the placement nearest the transcript's 3' end. VCF-style (leftmost placement, unchanged base first): chr6-33201409-ACCATGGCCACAGCCATGC-A. GRCh37 (hg19) VCF-style: chr6-33169186-ACCATGGCCACAGCCATGC-A.
Other names: c.174_191del, p.Ser59_His64del (NM_001077516.2); c.52+31_52+48del (NM_001288777.2).
Identifiers: ClinVar variation 1437580 (VCV001437580.6), dbSNP rs763376757, ClinGen allele CA3752205.